The following is an entry in ClinVar:

NM_152419.3(HGSNAT):c.1396G>A (p.Val466Met)

Gene: HGSNAT (heparan-alpha-glucosaminide N-acetyltransferase; plus strand). Cytogenetic location: 8p11.21.
Variant type: single nucleotide variant.
Coding change: c.1396G>A on transcript NM_152419.3 (MANE Select); coding-DNA position 1396, G replaced by A.
Protein change: p.Val466Met; replaces valine 466 with methionine.
Molecular consequence: missense variant.
Genome position (GRCh38, 1-based): chr8:43,193,775, G>A. VCF-style: chr8-43193775-G-A. GRCh37 (hg19) VCF-style: chr8-43048918-G-A.
Other names: c.1396G>A, p.Val466Met (NM_001363227.2); c.1204G>A, p.Val402Met (NM_001363228.2); c.532G>A, p.Val178Met (NM_001363229.2); short protein forms V178M, V402M, V466M.
Identifiers: ClinVar variation 1484621 (VCV001484621.3), dbSNP rs1414923802, ClinGen allele CA371119848.

ClinVar aggregate classification (germline): Uncertain significance (1 of 4 stars; one submission).

Conditions:
Mucopolysaccharidosis, MPS-III-C (MPS3C). Also called: SANFILIPPO SYNDROME C; MPS III C; MPS IIIC (Sanfilippo Syndrome Type C); MUCOPOLYSACCHARIDOSIS, TYPE IIIC; Mucopolysaccharidosis type IIIC (Sanfilippo C); mucopolysaccharidosis type 3C. Identifiers: Orphanet 581, Orphanet 79271, MedGen C0086649, MONDO:0009657, OMIM 252930.
Retinitis pigmentosa 73 (RP73). Identifiers: Orphanet 791, MedGen C4225287, MONDO:0014687, OMIM 616544.

Submission:

Labcorp Genetics (formerly Invitae), Labcorp
Classification: Uncertain significance for Retinitis pigmentosa 73; Mucopolysaccharidosis, MPS-III-C. Last evaluated: 2022-09-27. Review status: criteria provided, single submitter. Criteria: Invitae Variant Classification Sherloc (09022015). Collection method: clinical testing. Allele origin: germline.
Comment: This sequence change replaces valine, which is neutral and non-polar, with methionine, which is neutral and non-polar, at codon 466 of the HGSNAT protein (p.Val466Met). This variant is not present in population databases (gnomAD no frequency). This variant has not been reported in the literature in individuals affected with HGSNAT-related conditions. ClinVar contains an entry for this variant (Variation ID: 1484621). Advanced modeling of protein sequence and biophysical properties (such as structural, functional, and spatial information, amino acid conservation, physicochemical variation, residue mobility, and thermodynamic stability) performed at Invitae indicates that this missense variant is not expected to disrupt HGSNAT protein function. In summary, the available evidence is currently insufficient to determine the role of this variant in disease. Therefore, it has been classified as a Variant of Uncertain Significance.